The following is an entry in ClinVar:

ClinVar aggregate classification (germline): Uncertain significance. Review status: criteria provided, multiple submitters, no conflicts (2 of 4 stars). 2 submissions from 2 submitters: Uncertain significance (2). Last evaluated 2026-01-20.

Conditions:
Retinoblastoma (RB1). Also called: RETINOBLASTOMA, SOMATIC. Identifiers: Orphanet 790, MedGen C0035335, MeSH D012175, MONDO:0008380, OMIM 180200, HP:0009919. Disease mechanism: loss of function. Inheritance: Both sporadic and heritable forms are tested..
Hereditary cancer-predisposing syndrome. Also called: Tumor predisposition; Hereditary Cancer Syndrome; Neoplastic Syndromes, Hereditary; Hereditary neoplastic syndrome. Identifiers: Orphanet 140162, MedGen C0027672, MeSH D009386, MONDO:0015356.

gnomAD v4.1: 2 of 1,613,384 alleles (0.00012%); highest among the groups gnomAD compares: Non-Finnish European, 0.00017%; no homozygotes.

Submissions (2):

Labcorp Genetics (formerly Invitae), Labcorp
Classification: Uncertain significance for Retinoblastoma. Last evaluated: 2026-01-20. Review status: criteria provided, single submitter. Criteria: Invitae Variant Classification Sherloc (09022015). Collection method: clinical testing. Allele origin: germline.
Comment: This sequence change replaces arginine, which is basic and polar, with leucine, which is neutral and non-polar, at codon 857 of the RB1 protein (p.Arg857Leu). This variant is present in population databases (rs144668210, gnomAD 0.0009%). This variant has not been reported in the literature in individuals affected with RB1-related conditions. ClinVar contains an entry for this variant (Variation ID: 821504). Invitae Evidence Modeling of protein sequence and biophysical properties (such as structural, functional, and spatial information, amino acid conservation, physicochemical variation, residue mobility, and thermodynamic stability) has been performed for this missense variant. However, the output from this modeling did not meet the statistical confidence thresholds required to predict the impact of this variant on RB1 protein function. In summary, the available evidence is currently insufficient to determine the role of this variant in disease. Therefore, it has been classified as a Variant of Uncertain Significance.

Ambry Genetics
Classification: Uncertain significance for Hereditary cancer-predisposing syndrome. Last evaluated: 2024-03-20. Review status: criteria provided, single submitter. Criteria: Ambry Variant Classification Scheme 2023. Collection method: clinical testing. Allele origin: germline.
Comment: The p.R857L variant (also known as c.2570G>T), located in coding exon 25 of the RB1 gene, results from a G to T substitution at nucleotide position 2570. The arginine at codon 857 is replaced by leucine, an amino acid with dissimilar properties. This amino acid position is well conserved in available vertebrate species. In addition, the in silico prediction for this alteration is inconclusive. Based on the available evidence, the clinical significance of this alteration remains unclear.

NM_000321.3(RB1):c.2570G>T (p.Arg857Leu)

Gene: RB1 (RB transcriptional corepressor 1; plus strand). Cytogenetic location: 13q14.2.
Variant type: single nucleotide variant.
Coding change: c.2570G>T on transcript NM_000321.3 (MANE Select); coding-DNA position 2570, G replaced by T.
Protein change: p.Arg857Leu; replaces arginine 857 with leucine.
Molecular consequence: missense variant.
Genome position (GRCh38, 1-based): chr13:48,476,750, G>T. VCF-style: chr13-48476750-G-T. GRCh37 (hg19) VCF-style: chr13-49050886-G-T.
Other names: short protein forms R857L.
Identifiers: ClinVar variation 821504 (VCV000821504.8), dbSNP rs144668210, ClinGen allele CA036220.